The following is an entry in ClinVar:

NM_138295.5(PKD1L1):c.5637C>T (p.His1879=)

Gene: PKD1L1 (polycystin 1 like 1, transient receptor potential channel interacting; minus strand). Cytogenetic location: 7p12.3.
Variant type: single nucleotide variant.
Coding change: c.5637C>T on transcript NM_138295.5 (MANE Select); coding-DNA position 5637, C replaced by T.
Protein change: p.His1879=; no amino-acid change (histidine 1879 retained).
Molecular consequence: synonymous variant.
Genome position (GRCh38, 1-based): chr7:47,839,578, G>A on the plus strand (C>T on the coding strand, the complement: PKD1L1 is on the minus strand). VCF-style: chr7-47839578-G-A. GRCh37 (hg19) VCF-style: chr7-47879176-G-A.
Identifiers: ClinVar variation 3029343 (VCV003029343.2), dbSNP rs138494625, ClinGen allele CA4252793.

ClinVar aggregate classification (germline): Likely benign (0 of 4 stars; one submission).

Conditions:
PKD1L1-related disorder. Also called: PKD1L1-related condition.

Allele frequency attached by ClinVar (database versions not stated): gnomAD exomes below 0.00001; ExAC 0.00003; gnomAD 0.00004; TOPMed 0.00005; ESP Exome Variant Server 0.00008.
gnomAD v4.1: 14 of 1,602,906 alleles (0.00087%); highest among the groups gnomAD compares: African/African-American, 0.012%; no homozygotes.

Submission:

PreventionGenetics, part of Exact Sciences
Classification: Likely benign for PKD1L1-related condition. Last evaluated: 2023-03-14. Review status: no assertion criteria provided. Collection method: clinical testing. Allele origin: germline.
Comment: This variant is classified as likely benign based on ACMG/AMP sequence variant interpretation guidelines (Richards et al. 2015 PMID: 25741868, with internal and published modifications).